The following is an entry in ClinVar:

NM_004380.3(CREBBP):c.4395-3_4395-1delinsTCAC

Gene: CREBBP (CREB binding lysine acetyltransferase; minus strand). Cytogenetic location: 16p13.3.
Variant type: Indel.
Coding change: c.4395-3_4395-1delinsTCAC on transcript NM_004380.3 (MANE Select); 3 bases into the intron before coding-DNA position 4395 through the canonical splice acceptor site of the intron before coding-DNA position 4395, CAG replaced by TCAC.
Molecular consequence: splice acceptor variant.
Genome position (GRCh38, 1-based): chr16:3,736,816-3,736,818, CTG replaced by GTGA on the plus strand (CAG replaced by TCAC on the coding strand, the reverse complement: CREBBP is on the minus strand). VCF-style: chr16-3736816-CTG-GTGA. GRCh37 (hg19) VCF-style: chr16-3786817-CTG-GTGA.
Other names: c.4281-3_4281-1delinsTCAC (NM_001079846.1).
Identifiers: ClinVar variation 3254973 (VCV003254973.2), dbSNP rs2548364207.
Genomic context (GRCh38, chr16:3,736,816, plus strand): 5'-TGGAAGATGTAATCATCTCCTTCACTTGGAGGACAGGCCCAGATGTGCCCTGTCACATAC[CTG>GTGA]CAGGACCCACGCACACACGTCAGATGAACGTGCCAGTGAAATCGGCCCTGCCTTTAAGGA-3'

ClinVar aggregate classification (germline): Pathogenic (1 of 4 stars; one submission).

Conditions:
Rubinstein-Taybi syndrome due to CREBBP mutations (RSTS1). Also called: RUBINSTEIN-TAYBI SYNDROME 1, INCOMPLETE; BROAD THUMB-HALLUX SYNDROME; Rubinstein-Taybi syndrome 1; CREBBP-Related Rubinstein-Taybi Syndrome; BROAD THUMBS AND GREAT TOES, CHARACTERISTIC FACIES, AND IMPAIRED INTELLECTUAL DEVELOPMENT; RUBINSTEIN SYNDROME. Identifiers: Orphanet 353277, Orphanet 783, MedGen C4551859, MONDO:0008393, OMIM 180849.

Submission:

Victorian Clinical Genetics Services, Murdoch Childrens Research Institute
Classification: Pathogenic for Rubinstein-Taybi syndrome due to CREBBP mutations. Last evaluated: 2024-09-21. Review status: criteria provided, single submitter. Criteria: ACMG Guidelines, 2015. Collection method: clinical testing. Allele origin: germline. Inheritance: Autosomal dominant inheritance. Affected: yes.
Comment: Based on the classification scheme VCGS_Germline_v1.3.4, this variant is classified as Pathogenic. Following criteria are met: 0102 - Loss of function is a known mechanism of disease in this gene and is associated with Menke-Hennekam syndrome 1, (MIM#618332) and Rubinstein-Taybi syndrome 1, (MIM#180849). (I) 0107 - This gene is associated with autosomal dominant disease. (I) 0211 - Canonical splice site variant without proven consequence on splicing (no functional evidence available). (SP) 0251 - This variant is heterozygous. (I) 0301 - Variant is absent from gnomAD (both v2 and v3). (SP) 0505 - Abnormal splicing is predicted by in silico tools and affected nucleotide is highly conserved. (SP) 0704 - Another canonical splice variant comparable to the one identified in this case has limited previous evidence for pathogenicity. This comparable variant (c.4395-2A>C) has been reported as likely pathogenic (ClinVar) and observed in an individual with Rubinstein-Taybi syndrome (PMID: 37704034). (SP) 0807 - This variant has no previous evidence of pathogenicity. (I) 0905 - No published segregation evidence has been identified for this variant. (I) 1007 - No published functional evidence has been identified for this variant. (I) 1102 - Strong phenotype match for this individual. (SP) Legend: (SP) - Supporting pathogenic, (I) - Information, (SB) - Supporting benign

Literature cited by the submitters: PubMed 37704034.